The following is an entry in ClinVar:

ClinVar aggregate classification (germline): Uncertain significance (1 of 4 stars; one submission).

gnomAD v4.1: 4 of 1,211,988 alleles (0.00033%); highest among the groups gnomAD compares: Middle Eastern, 0.069%; no homozygotes.

Submission:

CeGaT Center for Human Genetics Tuebingen
Classification: Uncertain significance. Last evaluated: 2026-06-01. Review status: criteria provided, single submitter. Criteria: CeGaT Center For Human Genetics Tuebingen Variant Classification Criteria Version 2. Collection method: clinical testing. Allele origin: germline. Affected: yes. Observed: 1 variant allele.
Comment: CCNQ: PM2, BP4

NM_152274.5(CCNQ):c.277A>G (p.Ile93Val)

Gene: CCNQ (cyclin Q; minus strand). Cytogenetic location: Xq28.
Variant type: single nucleotide variant.
Coding change: c.277A>G on transcript NM_152274.5 (MANE Select); coding-DNA position 277, A replaced by G.
Protein change: p.Ile93Val; replaces isoleucine 93 with valine.
Molecular consequence: missense variant.
Genome position (GRCh38, 1-based): chrX:153,596,023, T>C on the plus strand (A>G on the coding strand, the complement: CCNQ is on the minus strand). VCF-style: chrX-153596023-T-C. GRCh37 (hg19) VCF-style: chrX-152861481-T-C.
Other names: c.277A>G, p.Ile93Val (NM_001130997.3); short protein forms I93V.
Identifiers: ClinVar variation 4874193 (VCV004874193.2).
Genomic context (GRCh38, chrX:153,596,023, plus strand): 5'-CCCACCGGGTGGAGATCAGGAGCCCAGCCAAATGCCATTACCTGTTGGACACATTGATGA[T>C]GTCACGAGTCCGCAGGTGCTGCTCTTCCACTTTGCCGGCCAAGTAAATTGAAGACATGGC-3'
Protein context (NP_689487.2, residues 83-103): VEEQHLRTRD[Ile93Val]INVSNRYFNP